The following is an entry in ClinVar:

NM_012308.3(KDM2A):c.973C>T (p.Arg325Cys)

Gene: KDM2A (lysine demethylase 2A; plus strand). Cytogenetic location: 11q13.2.
Variant type: single nucleotide variant.
Coding change: c.973C>T on transcript NM_012308.3 (MANE Select); coding-DNA position 973, C replaced by T.
Protein change: p.Arg325Cys; replaces arginine 325 with cysteine.
Molecular consequence: missense variant. On other transcripts: non-coding transcript variant (1).
Genome position (GRCh38, 1-based): chr11:67,228,052, C>T. VCF-style: chr11-67228052-C-T. GRCh37 (hg19) VCF-style: chr11-66995523-C-T.
Other names: short protein forms R325C.
Identifiers: ClinVar variation 5018211 (VCV005018211.1).
Genomic context (GRCh38, chr11:67,228,052, plus strand): 5'-TTTCCTTGAAAATCGTCATCTTTTCTCTATTTTATTCCTCTGTAGGTTCCAAATAAGTTT[C>T]GCTATCCATTCTACTATGAGATGTGTTGGTATGTGTTGGAGCGCTATGTGTACTGCATAA-3'
Protein context (NP_036440.1, residues 315-335): EDRTRVPNKF[Arg325Cys]YPFYYEMCWY

ClinVar aggregate classification (germline): Uncertain significance (1 of 4 stars; one submission).

Submission:

GeneDx
Classification: Uncertain significance. Last evaluated: 2026-04-09. Review status: criteria provided, single submitter. Criteria: GeneDx Variant Classification Process June 2021. Collection method: clinical testing. Allele origin: germline.
Comment: Not observed at significant frequency in large population cohorts (gnomAD); In silico analysis supports that this missense variant has a deleterious effect on protein structure/function; Has not been previously published as pathogenic or benign to our knowledge